The following is an entry in ClinVar:

chr14:104643721..105932775 complex variant

Genes: PLD4 (phospholipase D family member 4; plus strand), SIVA1 (SIVA1 apoptosis inducing factor; plus strand), TEX22 (testis expressed 22; plus strand), TMEM179 (transmembrane protein 179; minus strand), ZBTB42 (zinc finger and BTB domain containing 42; plus strand) and 16 more. Cytogenetic location: 14q32.33.
Variant type: Complex.
Identifiers: ClinVar variation 221344 (VCV000221344.2).

ClinVar aggregate classification (germline): Uncertain significance (0 of 4 stars; one submission).

Conditions:
Breast ductal adenocarcinoma. Also called: Ductal breast carcinoma; Breast cancer, invasive ductal. Identifiers: MedGen C1527349, MONDO:0005590.

Submission:

Next Generation Diagnostics, Novartis Institutes for BioMedical Research, Inc.
Classification: Uncertain significance for Breast ductal adenocarcinoma. Last evaluated: 2015-07-20. Review status: no assertion criteria provided. Collection method: research. Allele origin: somatic. Affected: yes.
Comment: Loss of heterozygosity